The following is an entry in ClinVar:

ClinVar aggregate classification (germline): Likely benign (0 of 4 stars; one submission).

Conditions:
AHDC1-related disorder. Also called: AHDC1-related condition.

Allele frequency attached by ClinVar (database versions not stated): TOPMed below 0.00001.
gnomAD v4.1: 14 of 1,614,082 alleles (0.00087%); highest among the groups gnomAD compares: Middle Eastern, 0.016%; no homozygotes.

Submission:

PreventionGenetics, part of Exact Sciences
Classification: Likely benign for AHDC1-related condition. Last evaluated: 2023-09-25. Review status: no assertion criteria provided. Collection method: clinical testing. Allele origin: germline.
Comment: This variant is classified as likely benign based on ACMG/AMP sequence variant interpretation guidelines (Richards et al. 2015 PMID: 25741868, with internal and published modifications).

NM_001371928.1(AHDC1):c.1773G>A (p.Lys591=)

Gene: AHDC1 (AT-hook DNA binding motif containing 1; minus strand). Cytogenetic location: 1p36.11.
Variant type: single nucleotide variant.
Coding change: c.1773G>A on transcript NM_001371928.1 (MANE Select); coding-DNA position 1773, G replaced by A.
Protein change: p.Lys591=; no amino-acid change (lysine 591 retained).
Molecular consequence: synonymous variant.
Genome position (GRCh38, 1-based): chr1:27,550,343, C>T on the plus strand (G>A on the coding strand, the complement: AHDC1 is on the minus strand). VCF-style: chr1-27550343-C-T. GRCh37 (hg19) VCF-style: chr1-27876854-C-T.
Other names: c.1773G>A, p.Lys591= (NM_001029882.3).
Identifiers: ClinVar variation 3036887 (VCV003036887.2), dbSNP rs1159142189, ClinGen allele CA416979567.